The following is an entry in ClinVar:

NM_015450.3(POT1):c.1517G>T (p.Cys506Phe)

Gene: POT1 (protection of telomeres 1; minus strand). Cytogenetic location: 7q31.33.
Variant type: single nucleotide variant.
Coding change: c.1517G>T on transcript NM_015450.3 (MANE Select); coding-DNA position 1517, G replaced by T.
Protein change: p.Cys506Phe; replaces cysteine 506 with phenylalanine.
Molecular consequence: missense variant. On other transcripts: non-coding transcript variant (2).
Genome position (GRCh38, 1-based): chr7:124,829,331, C>A on the plus strand (G>T on the coding strand, the complement: POT1 is on the minus strand). VCF-style: chr7-124829331-C-A. GRCh37 (hg19) VCF-style: chr7-124469385-C-A.
Other names: c.1124G>T, p.Cys375Phe (NM_001042594.2); short protein forms C506F, C375F.
Identifiers: ClinVar variation 3719024 (VCV003719024.2).
Genomic context (GRCh38, chr7:124,829,331, plus strand): 5'-GGAATCCACGATGTTTTATCAACCAGGGAATTTAGATTTTGTATGGATCTCAAACTAGAA[C>A]ACTGTTTACATCTGAAATTTATAAAAGAAAGAACCATAAATATTTAAAAATAATTTAGCT-3'
Protein context (NP_056265.2, residues 496-516): GTIHHYGCKQ[Cys506Phe]SSLRSIQNLN

ClinVar aggregate classification (germline): Uncertain significance (1 of 4 stars; one submission).

Conditions:
Tumor predisposition syndrome 3 (TPDS3). Also called: Glioma susceptibility 9; LONG TELOMERE SYNDROME, POT1-RELATED; POT1 Tumor Predisposition; Melanoma, cutaneous malignant, susceptibility to, 10. Identifiers: Orphanet 618, MedGen C4014476, MONDO:0014368, OMIM 615848.

Submission:

Labcorp Genetics (formerly Invitae), Labcorp
Classification: Uncertain significance for Tumor predisposition syndrome 3. Last evaluated: 2024-03-29. Review status: criteria provided, single submitter. Criteria: Invitae Variant Classification Sherloc (09022015). Collection method: clinical testing. Allele origin: germline.
Comment: This sequence change replaces cysteine, which is neutral and slightly polar, with phenylalanine, which is neutral and non-polar, at codon 506 of the POT1 protein (p.Cys506Phe). This variant is not present in population databases (gnomAD no frequency). This variant has not been reported in the literature in individuals affected with POT1-related conditions. Advanced modeling of protein sequence and biophysical properties (such as structural, functional, and spatial information, amino acid conservation, physicochemical variation, residue mobility, and thermodynamic stability) performed at Invitae indicates that this missense variant is not expected to disrupt POT1 protein function with a negative predictive value of 80%. In summary, the available evidence is currently insufficient to determine the role of this variant in disease. Therefore, it has been classified as a Variant of Uncertain Significance.